The following is an entry in ClinVar:

NM_019892.6(INPP5E):c.1605G>A (p.Lys535=)

Gene: INPP5E (inositol polyphosphate-5-phosphatase E; minus strand). Cytogenetic location: 9q34.3.
Variant type: single nucleotide variant.
Coding change: c.1605G>A on transcript NM_019892.6 (MANE Select); coding-DNA position 1605, G replaced by A.
Protein change: p.Lys535=; no amino-acid change (lysine 535 retained).
Molecular consequence: synonymous variant.
Genome position (GRCh38, 1-based): chr9:136,431,062, C>T on the plus strand (G>A on the coding strand, the complement: INPP5E is on the minus strand). VCF-style: chr9-136431062-C-T. GRCh37 (hg19) VCF-style: chr9-139325514-C-T.
Other names: c.1605G>A (NM_019892.5); c.1602G>A, p.Lys534= (NM_001318502.2).
Identifiers: ClinVar variation 2022260 (VCV002022260.5), dbSNP rs2538872313, ClinGen allele CA467720205.
Genomic context (GRCh38, chr9:136,431,062, plus strand): 5'-CGTGTATGAGGGCGTCCTCTGCTTGGAGGTGCTGTCGTACGTGTCCTTCCCGATGTCAAA[C>T]TTGTATGATGGGAGGAAGTGGATGTCCGGCTCCTGGAAGCCCTTGAAGATGGACCCTGCC-3'
Protein context (NP_063945.2, residues 525-545): EPDIHFLPSY[Lys535=]FDIGKDTYDS

ClinVar aggregate classification (germline): Likely benign. Review status: criteria provided, single submitter (1 of 4 stars). 2 submissions from 2 submitters: Likely benign (1). 1 of the submissions does not count toward it. Last evaluated 2022-11-14.

Conditions:
INPP5E-related disorder. Also called: INPP5E-related condition.
Joubert syndrome. Also called: CEREBELLOPARENCHYMAL DISORDER IV; JOUBERT-BOLTSHAUSER SYNDROME; Familial aplasia of the vermis. Identifiers: Orphanet 475, MedGen C5979921, MONDO:0018772.

gnomAD v4.1: 2 of 1,613,330 alleles (0.00012%); highest among the groups gnomAD compares: South Asian, 0.0011%; no homozygotes.

Submissions (2):

Labcorp Genetics (formerly Invitae), Labcorp
Classification: Likely benign for Joubert syndrome. Last evaluated: 2022-11-14. Review status: criteria provided, single submitter. Criteria: Invitae Variant Classification Sherloc (09022015). Collection method: clinical testing. Allele origin: germline.

PreventionGenetics, part of Exact Sciences
Classification: Likely benign for INPP5E-related condition. Last evaluated: 2024-09-02. Review status: no assertion criteria provided. Collection method: clinical testing. Allele origin: germline. Not counted in ClinVar's aggregate classification.
Comment: This variant is classified as likely benign based on ACMG/AMP sequence variant interpretation guidelines (Richards et al. 2015 PMID: 25741868, with internal and published modifications).